The following is an entry in ClinVar:

ClinVar aggregate classification (germline): Uncertain significance (1 of 4 stars; one submission).

Submission:

Labcorp Genetics (formerly Invitae), Labcorp
Classification: Uncertain significance. Last evaluated: 2024-06-26. Review status: criteria provided, single submitter. Criteria: Invitae Variant Classification Sherloc (09022015). Collection method: clinical testing. Allele origin: germline.
Comment: This sequence change replaces leucine, which is neutral and non-polar, with serine, which is neutral and polar, at codon 4011 of the FAT4 protein (p.Leu4011Ser). This variant is not present in population databases (gnomAD no frequency). This variant has not been reported in the literature in individuals affected with FAT4-related conditions. Advanced modeling of protein sequence and biophysical properties (such as structural, functional, and spatial information, amino acid conservation, physicochemical variation, residue mobility, and thermodynamic stability) performed at Invitae indicates that this missense variant is expected to disrupt FAT4 protein function with a positive predictive value of 95%. In summary, the available evidence is currently insufficient to determine the role of this variant in disease. Therefore, it has been classified as a Variant of Uncertain Significance.

NM_001291303.3(FAT4):c.12038T>C (p.Leu4013Ser)

Gene: FAT4 (FAT atypical cadherin 4; plus strand). Cytogenetic location: 4q28.1.
Variant type: single nucleotide variant.
Coding change: c.12038T>C on transcript NM_001291303.3 (MANE Select); coding-DNA position 12038, T replaced by C.
Protein change: p.Leu4013Ser; replaces leucine 4013 with serine.
Molecular consequence: missense variant.
Genome position (GRCh38, 1-based): chr4:125,468,644, T>C. VCF-style: chr4-125468644-T-C. GRCh37 (hg19) VCF-style: chr4-126389799-T-C.
Other names: c.12038T>C, p.Leu4013Ser (NM_001291285.3); c.12032T>C, p.Leu4011Ser (NM_024582.6); short protein forms L4013S, L4011S.
Identifiers: ClinVar variation 3637029 (VCV003637029.2).
Genomic context (GRCh38, chr4:125,468,644, plus strand): 5'-TGGACCCCAATAACAACTATATTTATGTCAAATTTGCCACGATTAAAAGTCATGCCTTAT[T>C]GCTTTACAACTATGACAACCAGACAGGCGACCGGGCTGAGTTTTTGGCCCTTGAAATTGC-3'
Protein context (NP_001278232.1, residues 4003-4023): KFATIKSHAL[Leu4013Ser]LYNYDNQTGD